The following is an entry in ClinVar:

NM_015330.6(SPECC1L):c.1189A>C (p.Thr397Pro)

Genes: SPECC1L (sperm antigen with calponin homology and coiled-coil domains 1 like; plus strand), SPECC1L-ADORA2A (SPECC1L-ADORA2A readthrough (NMD candidate); plus strand). Cytogenetic location: 22q11.23.
Variant type: single nucleotide variant.
Coding change: c.1189A>C on transcript NM_015330.6 (MANE Select); coding-DNA position 1189, A replaced by C.
Protein change: p.Thr397Pro; replaces threonine 397 with proline.
Molecular consequence: missense variant. On other transcripts: non-coding transcript variant (1).
Genome position (GRCh38, 1-based): chr22:24,322,169, A>C. VCF-style: chr22-24322169-A-C. GRCh37 (hg19) VCF-style: chr22-24718137-A-C.
Other names: c.1189A>C, p.Thr397Pro (NM_001145468.4, NM_001254732.3); short protein forms T397P.
Identifiers: ClinVar variation 183671 (VCV000183671.7), dbSNP rs786201030, ClinGen allele CA186133.
Genomic context (GRCh38, chr22:24,322,169, plus strand): 5'-ATAGAGCGCTCCCGGAAGGGGAGCAGCGGGAATGCCAGTGAAGTGTCCGTGGCTTGCCTG[A>C]CTGAACGGATACACCAGATGGAAGAGAACCAACACAGTACAAGTGAGGAACTCCAGGCAA-3'
Protein context (NP_056145.5, residues 387-407): NASEVSVACL[Thr397Pro]ERIHQMEENQ

ClinVar aggregate classification (germline): Pathogenic. Review status: criteria provided, single submitter (1 of 4 stars). 3 submissions from 3 submitters: Pathogenic (1). 2 of the submissions do not count toward it. Last evaluated 2023-02-01.

Conditions:
Teebi hypertelorism syndrome 1. Identifiers: Orphanet 1519, MedGen CN306405, MONDO:0800025, OMIM 145420.
Teebi hypertelorism syndrome. Identifiers: Orphanet 1519, MedGen C0796179, MONDO:0030639.

Allele frequency attached by ClinVar (database versions not stated): TOPMed 0.00001.

Submissions (3):

Labcorp Genetics (formerly Invitae), Labcorp
Classification: Pathogenic. Last evaluated: 2023-02-01. Review status: criteria provided, single submitter. Criteria: Invitae Variant Classification Sherloc (09022015). Collection method: clinical testing. Allele origin: germline.
Comment: This sequence change replaces threonine, which is neutral and polar, with proline, which is neutral and non-polar, at codon 397 of the SPECC1L protein (p.Thr397Pro). This variant is not present in population databases (gnomAD no frequency). This missense change has been observed in individual(s) with clinical features of SPECC1L-related disorders (PMID: 25412741, 30472488). It has also been observed to segregate with disease in related individuals. ClinVar contains an entry for this variant (Variation ID: 183671). Algorithms developed to predict the effect of missense changes on protein structure and function are either unavailable or do not agree on the potential impact of this missense change (SIFT: "Tolerated"; PolyPhen-2: "Probably Damaging"; Align-GVGD: "Class C0"). Experimental studies have shown that this missense change affects SPECC1L function (PMID: 25412741). For these reasons, this variant has been classified as Pathogenic.

Dept of Genetics, Assistance Publique-Hôpitaux de Paris (APHP) - R DEBRE University Hospital
Classification: Pathogenic for Teebi hypertelorism syndrome 1. Last evaluated: 2018-06-01. Review status: no assertion criteria provided. Collection method: clinical testing. Allele origin: inherited. Affected: yes. Observed: 1 heterozygote. Segregation with disease observed. Not counted in ClinVar's aggregate classification.

OMIM
Classification: Pathogenic for TEEBI HYPERTELORISM SYNDROME 1. Last evaluated: 2015-02-01. Review status: no assertion criteria provided. Collection method: literature only. Allele origin: germline. Not counted in ClinVar's aggregate classification.

Literature cited by the submitters: PubMed 25412741 (cited by Labcorp Genetics (formerly Invitae), Labcorp and OMIM); PubMed 30472488 (cited by Labcorp Genetics (formerly Invitae), Labcorp and OMIM).